The following is an entry in ClinVar:

ClinVar aggregate classification (germline): Uncertain significance. Review status: criteria provided, multiple submitters, no conflicts (2 of 4 stars). 2 submissions from 2 submitters: Uncertain significance (2). Last evaluated 2025-11-23.

Conditions:
Cardiovascular phenotype. Identifiers: MedGen CN230736.

Submissions (2):

Ambry Genetics
Classification: Uncertain significance for Cardiovascular phenotype. Last evaluated: 2025-11-23. Review status: criteria provided, single submitter. Criteria: Ambry Variant Classification Scheme 2023. Collection method: clinical testing. Allele origin: germline.
Comment: The p.V290I variant (also known as c.868G>A), located in coding exon 8 of the PTPN11 gene, results from a G to A substitution at nucleotide position 868. The valine at codon 290 is replaced by isoleucine, an amino acid with highly similar properties. This amino acid position is conserved. In addition, the in silico prediction for this alteration is inconclusive. Based on the available evidence, the clinical significance of this variant remains unclear.

Women's Health and Genetics/Laboratory Corporation of America, LabCorp
Classification: Uncertain significance. Last evaluated: 2017-05-15. Review status: criteria provided, single submitter. Criteria: LabCorp Variant Classification Summary - May 2015. Collection method: clinical testing. Allele origin: germline.
Comment: Variant summary: The PTPN11 c.868G>A (p.Val290Ile) variant involves the alteration of a conserved nucleotide and is located in PTP type protein phosphatase domain of the protein (InterPro). 2/4 in silico tools predict a damaging outcome for this variant (SNPsandGO not captured due to low reliability index). This variant is absent in 121400 control chromosomes from ExAC. The variant of interest has not, to our knowledge, been reported in affected individuals via publications and/or reputable databases/clinical diagnostic laboratories, nor has it been evaluated for functional impact by in vivo/vitro studies. Therefore, the variant is currently classified as a variant of uncertain significance (VUS) until additional information becomes available.

NM_002834.5(PTPN11):c.868G>A (p.Val290Ile)

Gene: PTPN11 (protein tyrosine phosphatase non-receptor type 11; plus strand). Cytogenetic location: 12q24.13.
Variant type: single nucleotide variant.
Coding change: c.868G>A on transcript NM_002834.5 (MANE Select); coding-DNA position 868, G replaced by A.
Protein change: p.Val290Ile; replaces valine 290 with isoleucine.
Molecular consequence: missense variant.
Genome position (GRCh38, 1-based): chr12:112,477,665, G>A. VCF-style: chr12-112477665-G-A. GRCh37 (hg19) VCF-style: chr12-112915469-G-A.
Other names: c.868G>A, p.Val290Ile (NM_001330437.2, NM_080601.3); c.865G>A, p.Val289Ile (NM_001374625.1); short protein forms V290I, V289I.
Identifiers: ClinVar variation 496185 (VCV000496185.2), dbSNP rs1555269782, ClinGen allele CA386790490.